The following is an entry in ClinVar:

NM_003108.4(SOX11):c.917G>T (p.Gly306Val)

Gene: SOX11 (SRY-box transcription factor 11; plus strand). Cytogenetic location: 2p25.2.
Variant type: single nucleotide variant.
Coding change: c.917G>T on transcript NM_003108.4 (MANE Select); coding-DNA position 917, G replaced by T.
Protein change: p.Gly306Val; replaces glycine 306 with valine.
Molecular consequence: missense variant.
Genome position (GRCh38, 1-based): chr2:5,693,638, G>T. VCF-style: chr2-5693638-G-T. GRCh37 (hg19) VCF-style: chr2-5833770-G-T.
Other names: short protein forms G306V.
Identifiers: ClinVar variation 1954630 (VCV001954630.5), dbSNP rs2465088488, ClinGen allele CA345867723.
Genomic context (GRCh38, chr2:5,693,638, plus strand): 5'-AGTCCCCCGAGGGAGCGAGCCTCTACGACGAGGTGCGGGCCGGCGCGACCTCGGGCGCCG[G>T]GGGCGGCAGCCGCCTCTACTACAGCTTCAAGAACATCACCAAGCAGCACCCGCCGCCGCT-3'
Protein context (NP_003099.1, residues 296-316): EVRAGATSGA[Gly306Val]GGSRLYYSFK

ClinVar aggregate classification (germline): Uncertain significance (1 of 4 stars; one submission).

Submission:

Labcorp Genetics (formerly Invitae), Labcorp
Classification: Uncertain significance. Last evaluated: 2022-08-19. Review status: criteria provided, single submitter. Criteria: Invitae Variant Classification Sherloc (09022015). Collection method: clinical testing. Allele origin: germline.
Comment: In summary, the available evidence is currently insufficient to determine the role of this variant in disease. Therefore, it has been classified as a Variant of Uncertain Significance. Algorithms developed to predict the effect of missense changes on protein structure and function output the following: SIFT: "Deleterious"; PolyPhen-2: "Benign"; Align-GVGD: "Class C0". The valine amino acid residue is found in multiple mammalian species, which suggests that this missense change does not adversely affect protein function. This variant has not been reported in the literature in individuals affected with SOX11-related conditions. This variant is not present in population databases (gnomAD no frequency). This sequence change replaces glycine, which is neutral and non-polar, with valine, which is neutral and non-polar, at codon 306 of the SOX11 protein (p.Gly306Val).